The following is an entry in ClinVar:

NM_000179.3(MSH6):c.753dup (p.Ser252fs)

Gene: MSH6 (mutS homolog 6; plus strand). Cytogenetic location: 2p16.3.
Variant type: Duplication.
Coding change: c.753dup on transcript NM_000179.3 (MANE Select); coding-DNA position 753, one base duplicated (A; older notation c.753dupA).
Protein change: p.Ser252fs; shifts the reading frame from serine 252.
Molecular consequence: frameshift variant. On other transcripts: 5 prime UTR variant (9), non-coding transcript variant (4), intron variant (1).
Genome position (GRCh38, 1-based): chr2:47,798,736, A duplicated. VCF-style (leftmost placement, unchanged base first): chr2-47798735-T-TA. GRCh37 (hg19) VCF-style: chr2-48025874-T-TA.
Other names: c.363dup, p.Ser122fs (NM_001281492.2); c.-154dup (NM_001281493.2, NM_001281494.2, NM_001406811.1 and 6 more transcripts); c.849dup, p.Ser284fs (NM_001406795.1, NM_001406802.1); c.753dup, p.Ser252fs (NM_001406796.1, NM_001406798.1, NM_001406800.1 and 4 more transcripts); c.456dup, p.Ser153fs (NM_001406797.1, NM_001406801.1, NM_001406805.1 and 10 more transcripts); c.228dup, p.Ser77fs (NM_001406799.1, NM_001406806.1, NM_001406807.1); c.675dup, p.Ser226fs (NM_001406804.1); c.759dup, p.Ser254fs (NM_001406813.1); and 2 more; short protein forms S122fs, S254fs, S284fs, S153fs, S196fs, S226fs, S77fs, S252fs.
Identifiers: ClinVar variation 2726034 (VCV002726034.3), dbSNP rs2530569799, ClinGen allele CA2697548116.

ClinVar aggregate classification (germline): Pathogenic (1 of 4 stars; one submission).

Conditions:
Hereditary nonpolyposis colorectal neoplasms. Identifiers: MedGen C0009405, MeSH D003123.

Submission:

Labcorp Genetics (formerly Invitae), Labcorp
Classification: Pathogenic for Hereditary nonpolyposis colorectal neoplasms. Last evaluated: 2023-05-26. Review status: criteria provided, single submitter. Criteria: Invitae Variant Classification Sherloc (09022015). Collection method: clinical testing. Allele origin: germline.
Comment: For these reasons, this variant has been classified as Pathogenic. This variant has not been reported in the literature in individuals affected with MSH6-related conditions. This variant is not present in population databases (gnomAD no frequency). This sequence change creates a premature translational stop signal (p.Ser252Ilefs*4) in the MSH6 gene. It is expected to result in an absent or disrupted protein product. Loss-of-function variants in MSH6 are known to be pathogenic (PMID: 18269114, 24362816).

Literature cited by the submitters: PubMed 18269114; PubMed 24362816.